The following is an entry in ClinVar:

ClinVar aggregate classification (germline): Uncertain significance. Review status: criteria provided, multiple submitters, no conflicts (2 of 4 stars). 3 submissions from 3 submitters: Uncertain significance (3). Last evaluated 2024-12-06.

Conditions:
Inborn genetic diseases. Identifiers: MedGen C0950123, MeSH D030342.

Allele frequency attached by ClinVar (database versions not stated): gnomAD exomes 0.00002.
gnomAD v4.1: 23 of 1,613,474 alleles (0.0014%); highest among the groups gnomAD compares: Non-Finnish European, 0.0019%; no homozygotes.

Submissions (3):

Ambry Genetics
Classification: Uncertain significance for Inborn genetic diseases. Last evaluated: 2024-12-06. Review status: criteria provided, single submitter. Criteria: Ambry Variant Classification Scheme 2023. Collection method: clinical testing. Allele origin: germline.
Comment: The p.D86E variant (also known as c.258T>A), located in coding exon 2 of the ERCC6L2 gene, results from a T to A substitution at nucleotide position 258. The aspartic acid at codon 86 is replaced by glutamic acid, an amino acid with highly similar properties. This amino acid position is conserved. In addition, this alteration is predicted to be tolerated by in silico analysis. Based on the available evidence, the clinical significance of this variant remains unclear.

Labcorp Genetics (formerly Invitae), Labcorp
Classification: Uncertain significance. Last evaluated: 2022-03-07. Review status: criteria provided, single submitter. Criteria: Invitae Variant Classification Sherloc (09022015). Collection method: clinical testing. Allele origin: germline.
Comment: This sequence change replaces aspartic acid, which is acidic and polar, with glutamic acid, which is acidic and polar, at codon 97 of the ERCC6L2 protein (p.Asp97Glu). This variant is not present in population databases (gnomAD no frequency). In summary, the available evidence is currently insufficient to determine the role of this variant in disease. Therefore, it has been classified as a Variant of Uncertain Significance. Algorithms developed to predict the effect of missense changes on protein structure and function are either unavailable or do not agree on the potential impact of this missense change (SIFT: "Tolerated"; PolyPhen-2: "Not Available"; Align-GVGD: "Class C0"). This variant has not been reported in the literature in individuals affected with ERCC6L2-related conditions.

Genetic Services Laboratory, University of Chicago
Classification: Uncertain significance. Last evaluated: 2021-07-12. Review status: criteria provided, single submitter. Criteria: ACMG Guidelines, 2015. Collection method: clinical testing. Allele origin: germline. Affected: no.
Comment: DNA sequence analysis of the ERCC6L2 gene demonstrated a sequence change, c.291T>A, in exon 2 that results in an amino acid change, p.Asp97Glu. This sequence change has not been described in population databases including gnomAD. The p.Asp97Glu change affects a moderately conserved amino acid residue located in a domain of the ERCC6L2 protein that is not known to be functional. In-silico pathogenicity prediction tools (SIFT, PolyPhen2, Align GVGD, REVEL) provide contradictory results for the p.Asp97Glu substitution. This sequence change does not appear to have been previously described in individuals with ERCC6L2-related disorders. Due to insufficient evidences and the lack of functional studies, the clinical significance of the p.Asp97Glu change remains unknown at this time.

NM_020207.7(ERCC6L2):c.258T>A (p.Asp86Glu)

Gene: ERCC6L2 (ERCC excision repair 6 like 2; plus strand). Cytogenetic location: 9q22.32.
Variant type: single nucleotide variant.
Coding change: c.258T>A on transcript NM_020207.7 (MANE Select); coding-DNA position 258, T replaced by A.
Protein change: p.Asp86Glu; replaces aspartic acid 86 with glutamic acid.
Molecular consequence: missense variant. On other transcripts: non-coding transcript variant (1).
Genome position (GRCh38, 1-based): chr9:95,881,080, T>A. VCF-style: chr9-95881080-T-A. GRCh37 (hg19) VCF-style: chr9-98643362-T-A.
Other names: c.258T>A, p.Asp86Glu (NM_001010895.4, NM_001375291.1, NM_001375292.1 and 2 more transcripts); short protein forms D86E.
Identifiers: ClinVar variation 1338016 (VCV001338016.10), dbSNP rs2132513580, ClinGen allele CA374117388.